The following is an entry in ClinVar:

ClinVar aggregate classification (germline): Pathogenic. Review status: criteria provided, multiple submitters, no conflicts (2 of 4 stars). 2 submissions from 2 submitters: Pathogenic (2). Last evaluated 2026-07-01.

Conditions:
Glycogen storage disease, type II (IOPD). Also called: POMPE DISEASE, INFANTILE-ONSET; GLYCOGEN STORAGE DISEASE II, INFANTILE-ONSET; ACID ALPHA-GLUCOSIDASE DEFICIENCY, INFANTILE-ONSET; GAA DEFICIENCY, INFANTILE-ONSET; ACID MALTASE DEFICIENCY, INFANTILE-ONSET; Glucosidase acid-1,4-alpha deficiency. Identifiers: Orphanet 365, MedGen C0017921, MONDO:0009290, OMIM 232300.

Submissions (2):

Genomenon, Inc
Classification: Pathogenic for Glycogen storage disease, type II. Last evaluated: 2026-07-01. Review status: criteria provided, single submitter. Criteria: Genomenon Sequence Variant Interpretation Standards - Updated. Collection method: curation. Allele origin: germline. Affected: yes.
Comment: GAA p.Gln563ProfsTer74 (c.1684_1687dup) is a frameshift variant that is predicted to introduce a premature termination codon and result in a truncated or absent protein product. This variant has been observed in at least one proband with a GAA-related disorder (PMID:22676651). It is absent or not present at a significant frequency in gnomAD. In conclusion, we classify GAA p.Gln563ProfsTer74 (c.1684_1687dup) as a pathogenic variant.

Myriad Genetics, Inc.
Classification: Pathogenic for Glycogen storage disease, type II. Last evaluated: 2023-10-26. Review status: criteria provided, single submitter. Criteria: Myriad Autosomal Dominant, Autosomal Recessive and X-Linked Classification Criteria (2023). Collection method: clinical testing. Allele origin: unknown.
Comment: NM_000152.3(GAA):c.1684_1687dupCACC(Q563Pfs*74) is expected to be pathogenic in the context of Pompe disease. This variant is predicted to lead to an abnormal or absent protein product due to the creation of a premature termination codon in GAA, a gene where loss-of-function variants are known to be pathogenic. Please note: this variant was assessed in the context of healthy population screening.

Literature cited by the submitters: PubMed 22676651 (cited by Genomenon, Inc).

NM_000152.5(GAA):c.1684_1687dup (p.Gln563fs)

Gene: GAA (alpha glucosidase; plus strand). Cytogenetic location: 17q25.3.
Variant type: Duplication.
Coding change: c.1684_1687dup on transcript NM_000152.5 (MANE Select); coding-DNA positions 1684 to 1687, 4 bases duplicated (CACC; older notation c.1684_1687dupCACC).
Protein change: p.Gln563fs; shifts the reading frame from glutamine 563.
Molecular consequence: frameshift variant.
Genome position (GRCh38, 1-based): chr17:80,112,030-80,112,033, CACC duplicated; duplicating any 4 consecutive bases within chr17:80,112,029-80,112,033 gives the same sequence; the c. name uses the placement nearest the transcript's 3' end. VCF-style (leftmost placement, unchanged base first): chr17-80112028-G-GCCAC. GRCh37 (hg19) VCF-style: chr17-78085827-G-GCCAC.
Other names: c.1684_1687dup, p.Gln563fs (NM_001079803.3, NM_001079804.3, NM_001406741.1 and 1 more transcripts); short protein forms Q563fs.
Identifiers: ClinVar variation 4876654 (VCV004876654.2).
Genomic context (GRCh38, chr17:80,112,028, plus strand): 5'-CCCCGCCTCTTCCAGGGGTGGTTGGGGGGACCCTCCAGGCGGCCACCATCTGTGCCTCCA[G>GCCAC]CCACCAGTTTCTCTCCACACACTACAACCTGCACAACCTCTACGGCCTGACCGAAGCCAT-3'